The following is an entry in ClinVar:

ClinVar aggregate classification (germline): Conflicting classifications of pathogenicity. Review status: criteria provided, conflicting classifications (1 of 4 stars). 13 submissions from 13 submitters: Uncertain significance (3); Benign (2); Likely benign (5). 3 of the submissions do not count toward it. Last evaluated 2026-08-01.

Conditions:
Galactosylceramide beta-galactosidase deficiency. Also called: GALACTOCEREBROSIDASE DEFICIENCY; GALC DEFICIENCY; GLOBOID CELL LEUKOENCEPHALOPATHY; Krabbe Disease; Leukodystrophy, Globoid Cell. Identifiers: Orphanet 487, MedGen C0023521, MONDO:0009499, OMIM 245200.

Allele frequency attached by ClinVar (database versions not stated): 1000 Genomes Project 30x 0.00047; 1000 Genomes Project 0.00060; ExAC 0.00150; TOPMed 0.00163; gnomAD 0.00185 and 0.00199; ESP Exome Variant Server 0.00196.
gnomAD v4.1: 4,656 of 1,614,016 alleles (0.29%); highest among the groups gnomAD compares: Non-Finnish European, 0.35%; 8 homozygotes.

Submissions (13):

CeGaT Center for Human Genetics Tuebingen
Classification: Likely benign. Last evaluated: 2026-08-01. Review status: criteria provided, single submitter. Criteria: CeGaT Center For Human Genetics Tuebingen Variant Classification Criteria Version 2. Collection method: clinical testing. Allele origin: germline. Affected: yes. Observed: 14 variant alleles.
Comment: GALC: BP4, BP7

Labcorp Genetics (formerly Invitae), Labcorp
Classification: Benign for Galactosylceramide beta-galactosidase deficiency. Last evaluated: 2026-01-29. Review status: criteria provided, single submitter. Criteria: Invitae Variant Classification Sherloc (09022015). Collection method: clinical testing. Allele origin: germline.

ARUP Laboratories, Molecular Genetics and Genomics, ARUP Laboratories
Classification: Likely benign for Galactosylceramide beta-galactosidase deficiency. Last evaluated: 2025-03-06. Review status: criteria provided, single submitter. Criteria: ARUP Molecular Germline Variant Investigation Process 2024. Collection method: clinical testing. Allele origin: germline.

Blueprint Genetics
Classification: Likely benign. Last evaluated: 2024-10-22. Review status: criteria provided, single submitter. Criteria: ACMG Guidelines, 2015. Collection method: clinical testing. Allele origin: germline.

Mayo Clinic Laboratories, Mayo Clinic
Classification: Benign. Last evaluated: 2024-10-22. Review status: criteria provided, single submitter. Criteria: ACMG Guidelines, 2015. Collection method: clinical testing. Allele origin: germline. Observed: 14 variant alleles.
Comment: BS1, BS2, BP4, BP7

Revvity Omics, Revvity
Classification: Likely benign. Last evaluated: 2024-05-13. Review status: criteria provided, single submitter. Criteria: ACMG Guidelines, 2015. Collection method: clinical testing. Allele origin: germline.

Women's Health and Genetics/Laboratory Corporation of America, LabCorp
Classification: Likely benign. Last evaluated: 2021-07-04. Review status: criteria provided, single submitter. Criteria: LabCorp Variant Classification Summary - May 2015. Collection method: clinical testing. Allele origin: germline.

GeneDx
Classification: Uncertain significance. Last evaluated: 2021-03-26. Review status: criteria provided, single submitter. Criteria: GeneDx Variant Classification Process June 2021. Collection method: clinical testing. Allele origin: germline. Affected: yes.
Comment: Has not been previously published as pathogenic or benign to our knowledge; In-silico analysis, which includes splice predictors and evolutionary conservation, is inconclusive as to whether the variant alters gene splicing. In the absence of RNA/functional studies, the actual effect of this sequence change is unknown.

Illumina Laboratory Services, Illumina
Classification: Uncertain significance for Galactosylceramide beta-galactosidase deficiency. Last evaluated: 2018-01-13. Review status: criteria provided, single submitter. Criteria: ICSL Variant Classification Criteria 13 December 2019. Collection method: clinical testing. Allele origin: germline.

Eurofins Ntd Llc (ga)
Classification: Uncertain significance. Last evaluated: 2017-03-09. Review status: criteria provided, single submitter. Criteria: EGL Classification Definitions 2015. Collection method: clinical testing. Allele origin: germline. Observed: 4 variant alleles, 4 heterozygotes.

Natera, Inc.
Classification: Uncertain significance for Galactosylceramide beta-galactosidase deficiency. Last evaluated: 2020-04-18. Review status: no assertion criteria provided. Collection method: clinical testing. Allele origin: germline. Not counted in ClinVar's aggregate classification.

Clinical Genetics DNA and cytogenetics Diagnostics Lab, Erasmus MC, Erasmus Medical Center
Classification: Likely benign. Review status: no assertion criteria provided. Collection method: clinical testing. Allele origin: germline. Affected: yes. Study: VKGL Data-share Consensus. Not counted in ClinVar's aggregate classification.

Clinical Genetics, Academic Medical Center
Classification: Likely benign. Review status: no assertion criteria provided. Collection method: clinical testing. Allele origin: germline. Affected: yes. Study: VKGL Data-share Consensus. Not counted in ClinVar's aggregate classification.

NM_000153.4(GALC):c.525C>T (p.Val175=)

Gene: GALC (galactosylceramidase; minus strand). Cytogenetic location: 14q31.3.
Variant type: single nucleotide variant.
Coding change: c.525C>T on transcript NM_000153.4 (MANE Select); coding-DNA position 525, C replaced by T.
Protein change: p.Val175=; no amino-acid change (valine 175 retained).
Molecular consequence: synonymous variant.
Genome position (GRCh38, 1-based): chr14:87,984,451, G>A on the plus strand (C>T on the coding strand, the complement: GALC is on the minus strand). VCF-style: chr14-87984451-G-A. GRCh37 (hg19) VCF-style: chr14-88450795-G-A.
Other names: p.Val175=; c.456C>T, p.Val152= (NM_001201401.2); c.447C>T, p.Val149= (NM_001201402.2).
Identifiers: ClinVar variation 496798 (VCV000496798.65), dbSNP rs181066089, ClinGen allele CA7297342.